The following is an entry in ClinVar:

NM_002398.3(MEIS1):c.1025-2A>G

Gene: MEIS1 (Meis homeobox 1; plus strand). Cytogenetic location: 2p14.
Variant type: single nucleotide variant.
Coding change: c.1025-2A>G on transcript NM_002398.3 (MANE Select); the canonical splice acceptor site of the intron before coding-DNA position 1025, A replaced by G.
Molecular consequence: splice acceptor variant.
Genome position (GRCh38, 1-based): chr2:66,568,665, A>G. VCF-style: chr2-66568665-A-G. GRCh37 (hg19) VCF-style: chr2-66795797-A-G.
Identifiers: ClinVar variation 930558 (VCV000930558.3), dbSNP rs1675410948, ClinGen allele CA347084187.

ClinVar aggregate classification (germline): Uncertain significance (1 of 4 stars; one submission).

Submission:

Centre for Mendelian Genomics, University Medical Centre Ljubljana
Classification: Uncertain significance. Last evaluated: 2019-09-24. Review status: criteria provided, single submitter. Criteria: ACMG Guidelines, 2015. Collection method: clinical testing. Allele origin: unknown. Affected: yes.
Comment: This variant was classified as: Uncertain significance. The available evidence on this variant's pathogenicity is insufficient or conflicting. The following ACMG criteria were applied in classifying this variant: PM2.